The following is an entry in ClinVar:

ClinVar aggregate classification (germline): Pathogenic. Review status: criteria provided, single submitter (1 of 4 stars). 2 submissions from 1 submitter: Pathogenic (2). Last evaluated 2018-04-17.

Conditions:
Primary pulmonary hypertension. Also called: Idiopathic pulmonary hypertension. Identifiers: MedGen C0152171.
Pulmonary hypertension, primary, 1 (PPH1). Also called: Pulmonary hypertension, familial primary, 1, with or without HHT. Identifiers: Orphanet 422, MedGen C4552070, MONDO:0024533, OMIM 178600.

Submissions (2):

Labcorp Genetics (formerly Invitae), Labcorp
Classification: Pathogenic for Primary pulmonary hypertension. Last evaluated: 2018-04-17. Review status: criteria provided, single submitter. Criteria: Invitae Variant Classification Sherloc (09022015). Collection method: clinical testing. Allele origin: germline.
Comment: This variant is an out-of-frame deletion of the genomic region encompassing exons 4-10 of the BMPR2 gene. This is expected to create a premature translational stop signal and result in an absent or disrupted protein product. This variant has not been reported in the literature in individuals with BMPR2-related disease. Loss-of-function variants in BMPR2 are known to be pathogenic (PMID: 16429395). For these reasons, this variant has been classified as Pathogenic.

Labcorp Genetics (formerly Invitae), Labcorp
Classification: Pathogenic for Primary pulmonary hypertension. Last evaluated: 2018-04-03. Review status: criteria provided, single submitter. Criteria: Invitae Variant Classification Sherloc (09022015). Collection method: clinical testing. Allele origin: germline.
Comment: the same text as in the submission from Labcorp Genetics (formerly Invitae), Labcorp above.

Literature cited by the submitters: PubMed 16429395.

NC_000002.12:g.(?_202513699)_(202542467_?)del

Gene: BMPR2 (bone morphogenetic protein receptor type 2; plus strand). Cytogenetic location: 2q33.2.
Variant type: Deletion.
Identifiers: ClinVar variation 583625 (VCV000583625.4).